The following is an entry in ClinVar:

NM_000426.4(LAMA2):c.5563-1G>A

Gene: LAMA2 (laminin subunit alpha 2; plus strand). Cytogenetic location: 6q22.33.
Variant type: single nucleotide variant.
Coding change: c.5563-1G>A on transcript NM_000426.4 (MANE Select); the canonical splice acceptor site of the intron before coding-DNA position 5563, G replaced by A.
Molecular consequence: splice acceptor variant.
Genome position (GRCh38, 1-based): chr6:129,402,323, G>A. VCF-style: chr6-129402323-G-A. GRCh37 (hg19) VCF-style: chr6-129723468-G-A.
Other names: c.5563-1G>A (NM_001079823.2).
Identifiers: ClinVar variation 1977748 (VCV001977748.6), dbSNP rs2533298071, ClinGen allele CA365615966.

ClinVar aggregate classification (germline): Likely pathogenic. Review status: criteria provided, multiple submitters, no conflicts (2 of 4 stars). 2 submissions from 2 submitters: Likely pathogenic (2). Last evaluated 2023-10-23.

Conditions:
LAMA2-related muscular dystrophy (LAMA2-RD). Also called: Laminin alpha 2-related dystrophy. Identifiers: MedGen C5679788, MONDO:0100228.
Merosin deficient congenital muscular dystrophy (MDC1A). Also called: Congenital merosin-deficient muscular dystrophy 1A; Congenital Muscular Dystrophy Type 1A (MDC1A). Identifiers: Orphanet 258, MedGen C1263858, MONDO:0011925, OMIM 607855.

Submissions (2):

Baylor Genetics
Classification: Likely pathogenic for Merosin deficient congenital muscular dystrophy. Last evaluated: 2023-10-23. Review status: criteria provided, single submitter. Criteria: ACMG Guidelines, 2015. Collection method: clinical testing. Allele origin: unknown.

Labcorp Genetics (formerly Invitae), Labcorp
Classification: Likely pathogenic for LAMA2-related muscular dystrophy. Last evaluated: 2022-08-19. Review status: criteria provided, single submitter. Criteria: Invitae Variant Classification Sherloc (09022015). Collection method: clinical testing. Allele origin: germline.
Comment: This sequence change affects an acceptor splice site in intron 38 of the LAMA2 gene. It is expected to disrupt RNA splicing. Variants that disrupt the donor or acceptor splice site typically lead to a loss of protein function (PMID: 16199547), and loss-of-function variants in LAMA2 are known to be pathogenic (PMID: 18700894, 32904964). This variant is not present in population databases (gnomAD no frequency). This variant has not been reported in the literature in individuals affected with LAMA2-related conditions. Algorithms developed to predict the effect of sequence changes on RNA splicing suggest that this variant may disrupt the consensus splice site. In summary, the currently available evidence indicates that the variant is pathogenic, but additional data are needed to prove that conclusively. Therefore, this variant has been classified as Likely Pathogenic.

Literature cited by the submitters: PubMed 16199547 (cited by Labcorp Genetics (formerly Invitae), Labcorp); PubMed 18700894 (cited by Labcorp Genetics (formerly Invitae), Labcorp); PubMed 32904964 (cited by Labcorp Genetics (formerly Invitae), Labcorp).